The following is an entry in ClinVar:

ClinVar aggregate classification (germline): Benign/Likely benign. Review status: criteria provided, multiple submitters, no conflicts (2 of 4 stars). 3 submissions from 3 submitters: Benign (1); Likely benign (2). Last evaluated 2025-11-25.

Conditions:
RASopathy. Also called: Noonan spectrum disorder; rasopathies. Identifiers: Orphanet 536391, MedGen C5555857, MONDO:0021060.

Allele frequency attached by ClinVar (database versions not stated): gnomAD exomes 0.00001 and 0.00002; gnomAD 0.00002; TOPMed 0.00003.
gnomAD v4.1: 23 of 1,550,544 alleles (0.0015%); highest among the groups gnomAD compares: East Asian, 0.0024%; no homozygotes.

Submissions (3):

Labcorp Genetics (formerly Invitae), Labcorp
Classification: Likely benign for RASopathy. Last evaluated: 2025-11-25. Review status: criteria provided, single submitter. Criteria: Invitae Variant Classification Sherloc (09022015). Collection method: clinical testing. Allele origin: germline.

Blueprint Genetics
Classification: Likely benign. Last evaluated: 2024-11-26. Review status: criteria provided, single submitter. Criteria: ACMG Guidelines, 2015. Collection method: clinical testing. Allele origin: germline.

GeneDx
Classification: Benign. Last evaluated: 2013-07-03. Review status: criteria provided, single submitter. Criteria: GeneDx Variant Classification (06012015). Collection method: clinical testing. Allele origin: germline. Affected: yes.
Comment: This variant is considered likely benign or benign based on one or more of the following criteria: it is a conservative change, it occurs at a poorly conserved position in the protein, it is predicted to be benign by multiple in silico algorithms, and/or has population frequency not consistent with disease.

NM_030662.4(MAP2K2):c.1046+13G>A

Gene: MAP2K2 (mitogen-activated protein kinase kinase 2; minus strand). Cytogenetic location: 19p13.3.
Variant type: single nucleotide variant.
Coding change: c.1046+13G>A on transcript NM_030662.4 (MANE Select); 13 bases into the intron after coding-DNA position 1046, G replaced by A.
Molecular consequence: intron variant.
Genome position (GRCh38, 1-based): chr19:4,095,375, C>T on the plus strand (G>A on the coding strand, the complement: MAP2K2 is on the minus strand). VCF-style: chr19-4095375-C-T. GRCh37 (hg19) VCF-style: chr19-4095373-C-T.
Identifiers: ClinVar variation 138163 (VCV000138163.9), dbSNP rs587781029, ClinGen allele CA292003.